The following is an entry in ClinVar:

ClinVar aggregate classification (germline): Uncertain significance (1 of 4 stars; one submission).

gnomAD v4.1: 1 of 1,614,148 alleles (0.000062%); highest among the groups gnomAD compares: Non-Finnish European, 0.000085%; no homozygotes.

Submission:

Dasa
Classification: Uncertain significance. Last evaluated: 2026-01-29. Review status: criteria provided, single submitter. Criteria: DASA Assertion Criteria. Collection method: clinical testing. Allele origin: germline.
Comment: NM_052867.4(NALCN):c.2065T>C (p.Cys689Arg) is a missense variant that results in the substitution of cysteine with arginine. This variant is rare in population databases. The currently available literature and clinical evidence are not sufficient to establish a definitive association between this variant and the reported condition. Therefore, this variant is classified as a variant of uncertain significance.

NM_052867.4(NALCN):c.2065T>C (p.Cys689Arg)

Gene: NALCN (sodium leak channel, non-selective; minus strand). Cytogenetic location: 13q33.1.
Variant type: single nucleotide variant.
Coding change: c.2065T>C on transcript NM_052867.4 (MANE Select); coding-DNA position 2065, T replaced by C.
Protein change: p.Cys689Arg; replaces cysteine 689 with arginine.
Molecular consequence: missense variant.
Genome position (GRCh38, 1-based): chr13:101,143,133, A>G on the plus strand (T>C on the coding strand, the complement: NALCN is on the minus strand). VCF-style: chr13-101143133-A-G. GRCh37 (hg19) VCF-style: chr13-101795484-A-G.
Other names: c.2065T>C, p.Cys689Arg (NM_001350748.2, NM_001350749.2); c.1978T>C, p.Cys660Arg (NM_001350750.2, NM_001350751.2); short protein forms C660R, C689R.
Identifiers: ClinVar variation 4885788 (VCV004885788.2).